The following is an entry in ClinVar:

ClinVar aggregate classification (germline): Uncertain significance (1 of 4 stars; one submission).

Conditions:
Medium-chain acyl-coenzyme A dehydrogenase deficiency (ACADMD). Also called: MCADD; MCADH DEFICIENCY; CARNITINE DEFICIENCY SECONDARY TO MEDIUM-CHAIN ACYL-CoA DEHYDROGENASE DEFICIENCY; Medium chain acyl-CoA dehydrogenase deficiency; MCAD Deficiency; ACADM DEFICIENCY. Identifiers: Orphanet 42, MedGen C0220710, MONDO:0008721, OMIM 201450.

Submission:

Labcorp Genetics (formerly Invitae), Labcorp
Classification: Uncertain significance for Medium-chain acyl-coenzyme A dehydrogenase deficiency. Last evaluated: 2020-03-12. Review status: criteria provided, single submitter. Criteria: Invitae Variant Classification Sherloc (09022015). Collection method: clinical testing. Allele origin: germline.
Comment: This sequence change replaces serine with proline at codon 127 of the ACADM protein (p.Ser127Pro). The serine residue is highly conserved and there is a moderate physicochemical difference between serine and proline. This variant is not present in population databases (ExAC no frequency). This variant has not been reported in the literature in individuals with ACADM-related conditions. Algorithms developed to predict the effect of missense changes on protein structure and function are either unavailable or do not agree on the potential impact of this missense change (SIFT: "Deleterious"; PolyPhen-2: "Possibly Damaging"; Align-GVGD: "Class C0"). In summary, the available evidence is currently insufficient to determine the role of this variant in disease. Therefore, it has been classified as a Variant of Uncertain Significance.

NM_000016.6(ACADM):c.379T>C (p.Ser127Pro)

Gene: ACADM (acyl-CoA dehydrogenase medium chain; plus strand). Cytogenetic location: 1p31.1.
Variant type: single nucleotide variant.
Coding change: c.379T>C on transcript NM_000016.6 (MANE Select); coding-DNA position 379, T replaced by C.
Protein change: p.Ser127Pro; replaces serine 127 with proline.
Molecular consequence: missense variant. On other transcripts: intron variant (1).
Genome position (GRCh38, 1-based): chr1:75,733,620, T>C. VCF-style: chr1-75733620-T-C. GRCh37 (hg19) VCF-style: chr1-76199305-T-C.
Other names: c.391T>C, p.Ser131Pro (NM_001127328.3); c.271T>C, p.Ser91Pro (NM_001286042.2); c.478T>C, p.Ser160Pro (NM_001286043.2); c.-100+698T>C (NM_001286044.2); short protein forms S127P, S131P, S160P, S91P.
Identifiers: ClinVar variation 1017585 (VCV001017585.8), dbSNP rs1647189185, ClinGen allele CA340812626.